The following is an entry in ClinVar:

NM_001134407.3(GRIN2A):c.3116C>G (p.Ala1039Gly)

Gene: GRIN2A (glutamate ionotropic receptor NMDA type subunit 2A; minus strand). Cytogenetic location: 16p13.2.
Variant type: single nucleotide variant.
Coding change: c.3116C>G on transcript NM_001134407.3 (MANE Select); coding-DNA position 3116, C replaced by G.
Protein change: p.Ala1039Gly; replaces alanine 1039 with glycine.
Molecular consequence: missense variant.
Genome position (GRCh38, 1-based): chr16:9,764,428, G>C on the plus strand (C>G on the coding strand, the complement: GRIN2A is on the minus strand). VCF-style: chr16-9764428-G-C. GRCh37 (hg19) VCF-style: chr16-9858285-G-C.
Other names: c.3116C>G, p.Ala1039Gly (NM_000833.5, NM_001134408.2); short protein forms A1039G.
Identifiers: ClinVar variation 4071821 (VCV004071821.1).

ClinVar aggregate classification (germline): Uncertain significance (1 of 4 stars; one submission).

Submission:

GeneDx
Classification: Uncertain significance. Last evaluated: 2025-01-24. Review status: criteria provided, single submitter. Criteria: GeneDx Variant Classification Process June 2021. Collection method: clinical testing. Allele origin: germline. Affected: yes.
Comment: Not observed at significant frequency in large population cohorts (gnomAD); In silico analysis indicates that this missense variant does not alter protein structure/function; Has not been previously published as pathogenic or benign to our knowledge